The following is an entry in ClinVar:

NM_020937.4(FANCM):c.5744C>A (p.Thr1915Lys)

Gene: FANCM (FA complementation group M; plus strand). Cytogenetic location: 14q21.2.
Variant type: single nucleotide variant.
Coding change: c.5744C>A on transcript NM_020937.4 (MANE Select); coding-DNA position 5744, C replaced by A.
Protein change: p.Thr1915Lys; replaces threonine 1915 with lysine.
Molecular consequence: missense variant.
Genome position (GRCh38, 1-based): chr14:45,198,671, C>A. VCF-style: chr14-45198671-C-A. GRCh37 (hg19) VCF-style: chr14-45667874-C-A.
Other names: c.5666C>A, p.Thr1889Lys (NM_001308133.2); short protein forms T1889K, T1915K.
Identifiers: ClinVar variation 1461389 (VCV001461389.6), dbSNP rs2139328014, ClinGen allele CA389586598.

ClinVar aggregate classification (germline): Uncertain significance (1 of 4 stars; one submission).

Conditions:
Fanconi anemia (FA). Also called: Fanconi's anemia. Identifiers: Orphanet 84, MedGen C0015625, MeSH D005199, MONDO:0019391.

gnomAD v4.1: 1 of 1,612,508 alleles (0.000062%); no homozygotes.

Submission:

Labcorp Genetics (formerly Invitae), Labcorp
Classification: Uncertain significance for Fanconi anemia. Last evaluated: 2021-10-07. Review status: criteria provided, single submitter. Criteria: Invitae Variant Classification Sherloc (09022015). Collection method: clinical testing. Allele origin: germline.
Comment: In summary, the available evidence is currently insufficient to determine the role of this variant in disease. Therefore, it has been classified as a Variant of Uncertain Significance. Algorithms developed to predict the effect of missense changes on protein structure and function are either unavailable or do not agree on the potential impact of this missense change (SIFT: "Tolerated"; PolyPhen-2: "Probably Damaging"; Align-GVGD: "Class C0"). This variant has not been reported in the literature in individuals affected with FANCM-related conditions. This variant is not present in population databases (ExAC no frequency). This sequence change replaces threonine with lysine at codon 1915 of the FANCM protein (p.Thr1915Lys). The threonine residue is moderately conserved and there is a moderate physicochemical difference between threonine and lysine.